The following is an entry in ClinVar:

NM_003072.5(SMARCA4):c.3221A>T (p.Asp1074Val)

Gene: SMARCA4 (SWI/SNF related BAF chromatin remodeling complex subunit ATPase 4; plus strand). Cytogenetic location: 19p13.2.
Variant type: single nucleotide variant.
Coding change: c.3221A>T on transcript NM_003072.5 (MANE Select); coding-DNA position 3221, A replaced by T.
Protein change: p.Asp1074Val; replaces aspartic acid 1074 with valine.
Molecular consequence: missense variant. On other transcripts: non-coding transcript variant (1).
Genome position (GRCh38, 1-based): chr19:11,027,789, A>T. VCF-style: chr19-11027789-A-T. GRCh37 (hg19) VCF-style: chr19-11138465-A-T.
Other names: c.3221A>T, p.Asp1074Val (NM_001374457.1, NM_001387283.1, NM_001128849.3 and 6 more transcripts); short protein forms D1074V.
Identifiers: ClinVar variation 4170158 (VCV004170158.1).

ClinVar aggregate classification (germline): Uncertain significance (1 of 4 stars; one submission).

Conditions:
Hereditary cancer-predisposing syndrome. Also called: Neoplastic Syndromes, Hereditary; Tumor predisposition; Hereditary Cancer Syndrome; Hereditary neoplastic syndrome. Identifiers: Orphanet 140162, MedGen C0027672, MeSH D009386, MONDO:0015356.

Submission:

Ambry Genetics
Classification: Uncertain significance for Hereditary cancer-predisposing syndrome. Last evaluated: 2025-07-18. Review status: criteria provided, single submitter. Criteria: Ambry Variant Classification Scheme 2023. Collection method: clinical testing. Allele origin: germline.
Comment: The p.D1074V variant (also known as c.3221A>T), located in coding exon 23 of the SMARCA4 gene, results from an A to T substitution at nucleotide position 3221. The aspartic acid at codon 1074 is replaced by valine, an amino acid with highly dissimilar properties. This amino acid position is conserved. In addition, the in silico prediction for this alteration is inconclusive. Based on the available evidence, the clinical significance of this variant remains unclear.